The following is an entry in ClinVar:

NM_152268.4(PARS2):c.131G>T (p.Arg44Leu)

Gene: PARS2 (prolyl-tRNA synthetase 2, mitochondrial; minus strand). Cytogenetic location: 1p32.3.
Variant type: single nucleotide variant.
Coding change: c.131G>T on transcript NM_152268.4 (MANE Select); coding-DNA position 131, G replaced by T.
Protein change: p.Arg44Leu; replaces arginine 44 with leucine.
Molecular consequence: missense variant.
Genome position (GRCh38, 1-based): chr1:54,759,031, C>A on the plus strand (G>T on the coding strand, the complement: PARS2 is on the minus strand). VCF-style: chr1-54759031-C-A. GRCh37 (hg19) VCF-style: chr1-55224704-C-A.
Other names: short protein forms R44L.
Identifiers: ClinVar variation 1308732 (VCV001308732.2), dbSNP rs769316105, ClinGen allele CA340466659.
Genomic context (GRCh38, chr1:54,759,031, plus strand): 5'-TCAGATTTGTCCTGCAGGGAGAGCACCCGGTCTTCCCGAAGGTTCTGTGGCTGGAACACA[C>A]GAGACAGCAGCAGGCGCCGCCCTCTTCTTGGGGCACAGTGGTGAAACCTGCAAGGAACAT-3'
Protein context (NP_689481.2, residues 34-54): PRRGRRLLLS[Arg44Leu]VFQPQNLRED

ClinVar aggregate classification (germline): Uncertain significance (1 of 4 stars; one submission).

gnomAD v4.1: 1 of 1,614,124 alleles (0.000062%); highest among the groups gnomAD compares: Non-Finnish European, 0.000085%; no homozygotes.

Submission:

GeneDx
Classification: Uncertain significance. Last evaluated: 2019-10-03. Review status: criteria provided, single submitter. Criteria: GeneDx Variant Classification Process June 2021. Collection method: clinical testing. Allele origin: germline. Affected: yes.
Comment: Not observed in large population cohorts (Lek et al., 2016); In silico analysis, which includes protein predictors and evolutionary conservation, supports a deleterious effect; Has not been previously published as pathogenic or benign to our knowledge